The following is an entry in ClinVar:

NM_004960.4(FUS):c.*137G>A

Gene: FUS (FUS RNA binding protein; plus strand). Cytogenetic location: 16p11.2.
Variant type: single nucleotide variant.
Coding change: c.*137G>A on transcript NM_004960.4 (MANE Select); 137 bases downstream of the stop codon, G replaced by A.
Molecular consequence: 3 prime UTR variant. On other transcripts: non-coding transcript variant (1).
Genome position (GRCh38, 1-based): chr16:31,191,575, G>A. VCF-style: chr16-31191575-G-A. GRCh37 (hg19) VCF-style: chr16-31202896-G-A.
Other names: c.*137G>A (NM_001170634.1, NM_001170937.1).
Identifiers: ClinVar variation 3348914 (VCV003348914.2).

ClinVar aggregate classification (germline): Uncertain significance (1 of 4 stars; one submission).

Conditions:
FUS-related disorder. Also called: FUS-related condition.

Submission:

PreventionGenetics, part of Exact Sciences
Classification: Uncertain significance for FUS-related condition. Last evaluated: 2025-06-01. Review status: criteria provided, single submitter. Criteria: ACMG Guidelines, 2015. Collection method: clinical testing. Allele origin: germline.
Comment: The FUS c.*137G>A variant is located in the 3' untranslated region. To our knowledge, this variant has not been reported in the literature. This variant is reported in 0.0044% of alleles in individuals of European (Non-Finnish) descent in gnomAD. Other nucleotide substitutions in the 3’ UTR, including c.*48G>A, c.*59G>A, c.*108C>T, and c.*110G>A , have been reported in patients with amyotrophic lateral sclerosis (Sabatelli et al. 2013. PubMed ID: 23847048). Functional studies in patient derived fibroblast cells showed the 3’ UTR variants increased expression and mislocalization of the FUS protein. Without additional conclusive evidence, the clinical significance of the c.*137G>A variant remains uncertain.